The following is an entry in ClinVar:

NM_004415.4(DSP):c.5563T>C (p.Cys1855Arg)

Gene: DSP (desmoplakin; plus strand). Cytogenetic location: 6p24.3.
Variant type: single nucleotide variant.
Coding change: c.5563T>C on transcript NM_004415.4 (MANE Select); coding-DNA position 5563, T replaced by C.
Protein change: p.Cys1855Arg; replaces cysteine 1855 with arginine.
Molecular consequence: missense variant.
Genome position (GRCh38, 1-based): chr6:7,582,825, T>C. VCF-style: chr6-7582825-T-C. GRCh37 (hg19) VCF-style: chr6-7583058-T-C.
Other names: c.3766T>C, p.Cys1256Arg (NM_001008844.3); c.4234T>C, p.Cys1412Arg (NM_001319034.2); short protein forms C1256R, C1412R, C1855R.
Identifiers: ClinVar variation 926408 (VCV000926408.11), dbSNP rs1453126950, ClinGen allele CA362688895.

ClinVar aggregate classification (germline): Uncertain significance. Review status: criteria provided, multiple submitters, no conflicts (2 of 4 stars). 2 submissions from 2 submitters: Uncertain significance (2). Last evaluated 2023-12-05.

Conditions:
Arrhythmogenic right ventricular dysplasia 8 (ARVD8). Also called: Arrhythmogenic Right Ventricular Dysplasia/Cardiomyopathy 8; ARRHYTHMOGENIC RIGHT VENTRICULAR DYSPLASIA, FAMILIAL, 8; ARRHYTHMOGENIC RIGHT VENTRICULAR CARDIOMYOPATHY 8. Identifiers: MedGen C1843896, MONDO:0011831, OMIM 607450.
Arrhythmogenic cardiomyopathy with wooly hair and keratoderma. Also called: PALMOPLANTAR KERATODERMA WITH LEFT VENTRICULAR CARDIOMYOPATHY AND WOOLLY HAIR; Carvajal syndrome; Dilated cardiomyopathy with woolly hair and keratoderma; Arrhythmogenic cardiomyopathy with woolly hair and keratoderma. Identifiers: Orphanet 65282, MedGen C1854063, MONDO:0011581, OMIM 605676.
Cardiomyopathy (CMYO). Also called: Cardiomyopathies. Identifiers: Orphanet 167848, MedGen C0878544, MONDO:0004994, HP:0001638. Inheritance: Various modes of inheritance.

Allele frequency attached by ClinVar (database versions not stated): gnomAD exomes below 0.00001.
gnomAD v4.1: 1 of 1,613,358 alleles (0.000062%); highest among the groups gnomAD compares: Non-Finnish European, 0.000085%; no homozygotes.

Submissions (2):

Color Diagnostics, LLC DBA Color Health
Classification: Uncertain significance for Cardiomyopathy. Last evaluated: 2023-12-05. Review status: criteria provided, single submitter. Criteria: ACMG Guidelines, 2015. Collection method: clinical testing. Allele origin: germline.
Comment: Variant of Uncertain Significance due to insufficient evidence: This missense variant is located in the central rod domain of the DSP protein that is thought to form a dimeric coiled coil. Computational prediction tools and conservation analyses suggest that this variant may not impact the protein function. Computational splicing tools suggest that this variant may not impact RNA splicing. To our knowledge, functional assays have not been performed for this variant nor has this variant been reported in individuals affected with cardiovascular disorders in the literature. This variant has been identified in 1/246244 chromosomes in the general population by the Genome Aggregation Database (gnomAD). Available evidence is insufficient to determine the pathogenicity of this variant conclusively.

Labcorp Genetics (formerly Invitae), Labcorp
Classification: Uncertain significance for Arrhythmogenic cardiomyopathy with wooly hair and keratoderma; Arrhythmogenic right ventricular dysplasia 8. Last evaluated: 2022-07-26. Review status: criteria provided, single submitter. Criteria: Invitae Variant Classification Sherloc (09022015). Collection method: clinical testing. Allele origin: germline.
Comment: In summary, the available evidence is currently insufficient to determine the role of this variant in disease. Therefore, it has been classified as a Variant of Uncertain Significance. Algorithms developed to predict the effect of missense changes on protein structure and function (SIFT, PolyPhen-2, Align-GVGD) all suggest that this variant is likely to be tolerated. ClinVar contains an entry for this variant (Variation ID: 926408). This variant has not been reported in the literature in individuals affected with DSP-related conditions. This variant is present in population databases (no rsID available, gnomAD 0.0009%). This sequence change replaces cysteine, which is neutral and slightly polar, with arginine, which is basic and polar, at codon 1855 of the DSP protein (p.Cys1855Arg).